The following is an entry in ClinVar:

ClinVar aggregate classification (germline): Pathogenic. Review status: criteria provided, multiple submitters, no conflicts (2 of 4 stars). 2 submissions from 2 submitters: Pathogenic (2). Last evaluated 2025-04-16.

Conditions:
Cystic fibrosis (CF). Also called: MUCOVISCIDOSIS. Identifiers: Orphanet 586, MedGen C0010674, MONDO:0009061, OMIM 219700. Disease mechanism: loss of function.
CFTR-related disorder (CFTR-RD). Also called: CFTR-related disorders; CFTR-related condition. Identifiers: MedGen C5924204, MONDO:7770004.

gnomAD v4.1: 1 of 1,612,720 alleles (0.000062%); highest among the groups gnomAD compares: Non-Finnish European, 0.000085%; no homozygotes.

Submissions (2):

Natera, Inc.
Classification: Pathogenic for CFTR-related disorders. Last evaluated: 2025-04-16. Review status: criteria provided, single submitter. Criteria: Natera Variant Classification Schema (03/2026). Collection method: clinical testing. Allele origin: germline.
Comment: The c.1116+1G>T variant in CFTR is a canonical splice donor site variant predicted to affect pre-mRNA splicing, which may result in an abnormal transcript and altered protein product. This variant is expected to result in nonsense mediated decay, truncation, or a dysfunctional protein product. This variant is rare in the general population with a frequency below the threshold expected for the associated phenotype(s). Another variant at this same site results in an alteration predicted to cause a similar molecular effect has been observed in individual(s) with the associated phenotype. Given the available evidence, this variant is classified as Pathogenic.

Mendelics
Classification: Pathogenic for Cystic fibrosis. Last evaluated: 2018-11-05. Review status: criteria provided, single submitter. Criteria: Mendelics Assertion Criteria 2017. Collection method: clinical testing. Allele origin: unknown. Affected: yes.

NM_000492.4(CFTR):c.1116+1G>T

Gene: CFTR (CF transmembrane conductance regulator; plus strand). Cytogenetic location: 7q31.2.
Variant type: single nucleotide variant.
Coding change: c.1116+1G>T on transcript NM_000492.4 (MANE Select); the canonical splice donor site of the intron after coding-DNA position 1116, G replaced by T.
Molecular consequence: splice donor variant.
Genome position (GRCh38, 1-based): chr7:117,540,347, G>T. VCF-style: chr7-117540347-G-T. GRCh37 (hg19) VCF-style: chr7-117180401-G-T.
Other names: c.1116+1G>T (NM_000492.3).
Identifiers: ClinVar variation 618920 (VCV000618920.3), dbSNP rs397508158, ClinGen allele CA368979129.